The following is an entry in ClinVar:

ClinVar aggregate classification (germline): Uncertain significance (1 of 4 stars; one submission).

Submission:

GeneDx
Classification: Uncertain significance. Last evaluated: 2022-01-21. Review status: criteria provided, single submitter. Criteria: GeneDx Variant Classification Process June 2021. Collection method: clinical testing. Allele origin: germline. Affected: yes.
Comment: Not observed at significant frequency in large population cohorts (gnomAD); In silico analysis supports that this missense variant has a deleterious effect on protein structure/function; Missense variants in this gene are often considered pathogenic (HGMD); This substitution is predicted to be in the cytoplasmic loop between the second and third homologous domains; Has not been previously published as pathogenic or benign to our knowledge; This variant is associated with the following publications: (PMID: 24077912)

NM_001040142.2(SCN2A):c.3393C>A (p.Ser1131Arg)

Gene: SCN2A (sodium voltage-gated channel alpha subunit 2; plus strand). Cytogenetic location: 2q24.3.
Variant type: single nucleotide variant.
Coding change: c.3393C>A on transcript NM_001040142.2 (MANE Select); coding-DNA position 3393, C replaced by A.
Protein change: p.Ser1131Arg; replaces serine 1131 with arginine.
Molecular consequence: missense variant.
Genome position (GRCh38, 1-based): chr2:165,354,665, C>A. VCF-style: chr2-165354665-C-A. GRCh37 (hg19) VCF-style: chr2-166211175-C-A.
Other names: c.3393C>A, p.Ser1131Arg (NM_001040143.2, NM_001371246.1, NM_001371247.1 and 1 more transcripts); short protein forms S1131R.
Identifiers: ClinVar variation 1698075 (VCV001698075.2), dbSNP rs2105337618, ClinGen allele CA349022066.